The following is an entry in ClinVar:

ClinVar aggregate classification (germline): Conflicting classifications of pathogenicity. Review status: criteria provided, conflicting classifications (1 of 4 stars). 2 submissions from 2 submitters: Uncertain significance (1); Likely benign (1). Last evaluated 2025-07-18.

Conditions:
Developmental and epileptic encephalopathy, 54. Also called: Epileptic encephalopathy, early infantile, 54; HNRNPU-Related Neurodevelopmental Disorder. Identifiers: MedGen C4479319, MONDO:0033363, OMIM 617391.

Allele frequency attached by ClinVar (database versions not stated): gnomAD exomes below 0.00001; TOPMed below 0.00001; gnomAD 0.00001.
gnomAD v4.1: 2 of 1,611,126 alleles (0.00012%); highest among the groups gnomAD compares: Admixed American, 0.0017%; no homozygotes.

Submissions (2):

Labcorp Genetics (formerly Invitae), Labcorp
Classification: Likely benign for Developmental and epileptic encephalopathy, 54. Last evaluated: 2025-07-18. Review status: criteria provided, single submitter. Criteria: Invitae Variant Classification Sherloc (09022015). Collection method: clinical testing. Allele origin: germline.

Laboratorio de Genetica e Diagnostico Molecular, Hospital Israelita Albert Einstein
Classification: Uncertain significance. Last evaluated: 2021-06-24. Review status: criteria provided, single submitter. Criteria: ACMG Guidelines, 2015. Collection method: clinical testing. Allele origin: germline. Affected: yes.
Comment: ACMG classification criteria: PM2

NM_031844.3(HNRNPU):c.2353-7T>C

Gene: HNRNPU (heterogeneous nuclear ribonucleoprotein U; minus strand). Cytogenetic location: 1q44.
Variant type: single nucleotide variant.
Coding change: c.2353-7T>C on transcript NM_031844.3 (MANE Select); 7 bases into the intron before coding-DNA position 2353, T replaced by C.
Molecular consequence: intron variant.
Genome position (GRCh38, 1-based): chr1:244,855,051, A>G on the plus strand (T>C on the coding strand, the complement: HNRNPU is on the minus strand). VCF-style: chr1-244855051-A-G. GRCh37 (hg19) VCF-style: chr1-245018353-A-G.
Other names: c.2296-7T>C (NM_004501.3).
Identifiers: ClinVar variation 1690404 (VCV001690404.4), dbSNP rs1573328713, ClinGen allele CA1230997292.